The following is an entry in ClinVar:

NM_001199138.2(NLRC4):c.628G>T (p.Gly210Cys)

Gene: NLRC4 (NLR family CARD domain containing 4; minus strand). Cytogenetic location: 2p22.3.
Variant type: single nucleotide variant.
Coding change: c.628G>T on transcript NM_001199138.2 (MANE Select); coding-DNA position 628, G replaced by T.
Protein change: p.Gly210Cys; replaces glycine 210 with cysteine.
Molecular consequence: missense variant. On other transcripts: intron variant (1).
Genome position (GRCh38, 1-based): chr2:32,251,236, C>A on the plus strand (G>T on the coding strand, the complement: NLRC4 is on the minus strand). VCF-style: chr2-32251236-C-A. GRCh37 (hg19) VCF-style: chr2-32476305-C-A.
Other names: c.628G>T, p.Gly210Cys (NM_001199139.2, NM_021209.5); c.262+1183G>T (NM_001302504.1); short protein forms G210C.
Identifiers: ClinVar variation 1483848 (VCV001483848.6), dbSNP rs1183084195, ClinGen allele CA346514743.
Genomic context (GRCh38, chr2:32,251,236, plus strand): 5'-GCTTCCTGATTGTGCCAGGTATATCCAGGAGTTGATCACAGAGGGTTTCAAAAAGTCCAC[C>A]CTGGGCCCTGCTGAGACGGAGGAAGAAGACGAATTTGAACTTGGTCAGAGCCTTGCACTT-3'
Protein context (NP_001186067.1, residues 200-220): VFFLRLSRAQ[Gly210Cys]GLFETLCDQL

ClinVar aggregate classification (germline): Uncertain significance (1 of 4 stars; one submission).

Conditions:
Periodic fever-infantile enterocolitis-autoinflammatory syndrome. Also called: Autoinflammation with infantile enterocolitis. Identifiers: Orphanet 436166, MedGen C4015067, MONDO:0014472, OMIM 616050.
Familial cold autoinflammatory syndrome 4 (FCAS4). Identifiers: Orphanet 47045, Orphanet 576349, MedGen C4015276, MONDO:0014498, OMIM 616115.

Allele frequency attached by ClinVar (database versions not stated): gnomAD exomes below 0.00001.
gnomAD v4.1: 1 of 1,614,110 alleles (0.000062%); highest among the groups gnomAD compares: Non-Finnish European, 0.000085%; no homozygotes.

Submission:

Labcorp Genetics (formerly Invitae), Labcorp
Classification: Uncertain significance for Periodic fever-infantile enterocolitis-autoinflammatory syndrome; Familial cold autoinflammatory syndrome 4. Last evaluated: 2023-08-30. Review status: criteria provided, single submitter. Criteria: Invitae Variant Classification Sherloc (09022015). Collection method: clinical testing. Allele origin: germline.
Comment: This sequence change replaces glycine, which is neutral and non-polar, with cysteine, which is neutral and slightly polar, at codon 210 of the NLRC4 protein (p.Gly210Cys). This variant is not present in population databases (gnomAD no frequency). This variant has not been reported in the literature in individuals affected with NLRC4-related conditions. ClinVar contains an entry for this variant (Variation ID: 1483848). Advanced modeling of protein sequence and biophysical properties (such as structural, functional, and spatial information, amino acid conservation, physicochemical variation, residue mobility, and thermodynamic stability) performed at Invitae indicates that this missense variant is not expected to disrupt NLRC4 protein function. In summary, the available evidence is currently insufficient to determine the role of this variant in disease. Therefore, it has been classified as a Variant of Uncertain Significance.